The following is an entry in ClinVar:

ClinVar aggregate classification (germline): Uncertain significance (1 of 4 stars; one submission).

Submission:

Labcorp Genetics (formerly Invitae), Labcorp
Classification: Uncertain significance. Last evaluated: 2025-10-22. Review status: criteria provided, single submitter. Criteria: Invitae Variant Classification Sherloc (09022015). Collection method: clinical testing. Allele origin: germline.
Comment: This sequence change replaces arginine, which is basic and polar, with glycine, which is neutral and non-polar, at codon 499 of the DHX37 protein (p.Arg499Gly). This variant is not present in population databases (gnomAD no frequency). This variant has not been reported in the literature in individuals affected with DHX37-related conditions. ClinVar contains an entry for this variant (Variation ID: 2092865). Invitae Evidence Modeling of protein sequence and biophysical properties (such as structural, functional, and spatial information, amino acid conservation, physicochemical variation, residue mobility, and thermodynamic stability) indicates that this missense variant is not expected to disrupt DHX37 protein function with a negative predictive value of 80%. In summary, the available evidence is currently insufficient to determine the role of this variant in disease. Therefore, it has been classified as a Variant of Uncertain Significance.

NM_032656.4(DHX37):c.1495C>G (p.Arg499Gly)

Gene: DHX37 (DEAH-box helicase 37; minus strand). Cytogenetic location: 12q24.31.
Variant type: single nucleotide variant.
Coding change: c.1495C>G on transcript NM_032656.4 (MANE Select); coding-DNA position 1495, C replaced by G.
Protein change: p.Arg499Gly; replaces arginine 499 with glycine.
Molecular consequence: missense variant.
Genome position (GRCh38, 1-based): chr12:124,967,132, G>C on the plus strand (C>G on the coding strand, the complement: DHX37 is on the minus strand). VCF-style: chr12-124967132-G-C. GRCh37 (hg19) VCF-style: chr12-125451678-G-C.
Other names: short protein forms R499G.
Identifiers: ClinVar variation 2092865 (VCV002092865.4), dbSNP rs780118795, ClinGen allele CA387225675.
Genomic context (GRCh38, chr12:124,967,132, plus strand): 5'-GGCCAAGCCCAGCTGCTCAGGGCAGAGTGCTGGTCGGGGCGTCCTCTTTACCTTGTGGCC[G>C]GGCTCTGGAGGGTGGGAAAGCCTTCCTGAGCCTGCGGCACAGCGCATGCACCTCAGCCTG-3'
Protein context (NP_116045.2, residues 489-509): LRKAFPPSRA[Arg499Gly]PQEKDDDQKD